The following is an entry in ClinVar:

ClinVar aggregate classification (germline): Conflicting classifications of pathogenicity. Review status: criteria provided, conflicting classifications (1 of 4 stars). 4 submissions from 4 submitters: Uncertain significance (3); Likely benign (1). Last evaluated 2025-09-04.

Conditions:
Hereditary cancer-predisposing syndrome. Also called: Neoplastic Syndromes, Hereditary; Hereditary neoplastic syndrome; Tumor predisposition; Hereditary Cancer Syndrome. Identifiers: Orphanet 140162, MedGen C0027672, MeSH D009386, MONDO:0015356.
Hereditary diffuse gastric adenocarcinoma (HDGC). Also called: DIFFUSE GASTRIC AND LOBULAR BREAST CANCER SYNDROME. Identifiers: Orphanet 26106, MedGen C1708349, MONDO:0007648, OMIM 137215.

Allele frequency attached by ClinVar (database versions not stated): gnomAD exomes 0.00001 and 0.00002; ExAC 0.00003.
gnomAD v4.1: 19 of 1,614,228 alleles (0.0012%); highest among the groups gnomAD compares: South Asian, 0.02%; no homozygotes.

Submissions (4):

Labcorp Genetics (formerly Invitae), Labcorp
Classification: Uncertain significance for Hereditary diffuse gastric adenocarcinoma. Last evaluated: 2025-09-04. Review status: criteria provided, single submitter. Criteria: Invitae Variant Classification Sherloc (09022015). Collection method: clinical testing. Allele origin: germline.
Comment: This sequence change replaces histidine, which is basic and polar, with glutamine, which is neutral and polar, at codon 92 of the CDH1 protein (p.His92Gln). This variant is present in population databases (rs770967343, gnomAD 0.02%). This variant has not been reported in the literature in individuals affected with CDH1-related conditions. ClinVar contains an entry for this variant (Variation ID: 532442). An algorithm developed to predict the effect of missense changes on protein structure and function (PolyPhen-2) suggests that this variant is likely to be tolerated. In summary, the available evidence is currently insufficient to determine the role of this variant in disease. Therefore, it has been classified as a Variant of Uncertain Significance.

Ambry Genetics
Classification: Likely benign for Hereditary cancer-predisposing syndrome. Last evaluated: 2025-06-10. Review status: criteria provided, single submitter. Criteria: Ambry Variant Classification Scheme 2023. Collection method: clinical testing. Allele origin: germline.

Color Diagnostics, LLC DBA Color Health
Classification: Uncertain significance for Hereditary cancer-predisposing syndrome. Last evaluated: 2023-12-04. Review status: criteria provided, single submitter. Criteria: ACMG Guidelines, 2015. Collection method: clinical testing. Allele origin: germline.
Comment: This missense variant replaces histidine with glutamine at codon 92 of the CDH1 protein. To our knowledge, functional studies have not been reported for this variant. This variant has not been reported in individuals affected with hereditary cancer in the literature. This variant has been identified in 5/251338 chromosomes in the general population by the Genome Aggregation Database (gnomAD). The available evidence is insufficient to determine the role of this variant in disease conclusively. Therefore, this variant is classified as a Variant of Uncertain Significance.

Sema4
Classification: Uncertain significance for Hereditary cancer-predisposing syndrome. Last evaluated: 2021-12-13. Review status: criteria provided, single submitter. Criteria: Sema4 Curation Guidelines. Collection method: curation. Allele origin: germline.
Comment: The CDH1 c.276T>G (p.H92Q) variant has not been reported in the literature to our knowledge. It was observed in 5/30616 chromosomes of the South Asian subpopulation in the large and broad cohorts of the Genome Aggregation Database (PMID: 32461654). The variant has been reported in ClinVar (Variation ID: 532442). Functional studies have not been performed, and in silico predictions of the variant's effect on protein function are inconclusive. The evidence is insufficient to meet ACMG/AMP criteria for classifying the variant as benign or pathogenic. Thus, the clinical significance of this variant is currently uncertain.

NM_004360.5(CDH1):c.276T>G (p.His92Gln)

Gene: CDH1 (cadherin 1; plus strand). Cytogenetic location: 16q22.1.
Variant type: single nucleotide variant.
Coding change: c.276T>G on transcript NM_004360.5 (MANE Select); coding-DNA position 276, T replaced by G.
Protein change: p.His92Gln; replaces histidine 92 with glutamine.
Molecular consequence: missense variant. On other transcripts: 5 prime UTR variant (2).
Genome position (GRCh38, 1-based): chr16:68,801,782, T>G. VCF-style: chr16-68801782-T-G. GRCh37 (hg19) VCF-style: chr16-68835685-T-G.
Other names: c.276T>G (LRG_301t1); c.276T>G, p.His92Gln (NM_001317184.2); c.-1340T>G (NM_001317185.2); c.-1544T>G (NM_001317186.2); short protein forms H92Q.
Identifiers: ClinVar variation 532442 (VCV000532442.18), dbSNP rs770967343, ClinGen allele CA8129822.